The following is an entry in ClinVar:

ClinVar aggregate classification (germline): Pathogenic. Review status: criteria provided, multiple submitters, no conflicts (2 of 4 stars). 2 submissions from 2 submitters: Pathogenic (2). Last evaluated 2021-08-10.

Conditions:
Wilson disease (WND). Also called: Wilson's disease. Identifiers: Orphanet 905, MedGen C0019202, MONDO:0010200, OMIM 277900. Disease mechanism: loss of function.

Submissions (2):

Genome-Nilou Lab
Classification: Pathogenic for Wilson disease. Last evaluated: 2021-08-10. Review status: criteria provided, single submitter. Criteria: ACMG Guidelines, 2015. Collection method: clinical testing. Allele origin: germline. Affected: no.

Labcorp Genetics (formerly Invitae), Labcorp
Classification: Pathogenic for Wilson disease. Last evaluated: 2019-11-05. Review status: criteria provided, single submitter. Criteria: Invitae Variant Classification Sherloc (09022015). Collection method: clinical testing. Allele origin: germline.
Comment: This sequence change creates a premature translational stop signal (p.Cys985Alafs*37) in the ATP7B gene. It is expected to result in an absent or disrupted protein product. This variant is not present in population databases (ExAC no frequency). This variant has not been reported in the literature in individuals with ATP7B-related conditions. Loss-of-function variants in ATP7B are known to be pathogenic (PMID: 10441329, 16283883). For these reasons, this variant has been classified as Pathogenic.

NM_000053.4(ATP7B):c.2952del (p.Cys985fs)

Gene: ATP7B (ATPase copper transporting beta; minus strand). Cytogenetic location: 13q14.3.
Variant type: Deletion.
Coding change: c.2952del on transcript NM_000053.4 (MANE Select); coding-DNA position 2952, one base deleted (C; older notation c.2952delC).
Protein change: p.Cys985fs; shifts the reading frame from cysteine 985.
Molecular consequence: frameshift variant.
Genome position (GRCh38, 1-based): chr13:51,946,392, G deleted on the plus strand (C on the coding strand, the reverse complement: ATP7B is on the minus strand); the first of 4 consecutive G bases (chr13:51,946,392-51,946,395); deleting any one gives the same sequence. VCF-style (leftmost placement, unchanged base first): chr13-51946391-AG-A. GRCh37 (hg19) VCF-style: chr13-52520527-AG-A.
Other names: c.2331del, p.Cys778fs (NM_001005918.3); c.2619del, p.Cys874fs (NM_001243182.2); c.2718del, p.Cys907fs (NM_001330578.2); c.2700del, p.Cys901fs (NM_001330579.2); short protein forms C778fs, C901fs, C907fs, C874fs, C985fs.
Identifiers: ClinVar variation 957609 (VCV000957609.3), dbSNP rs1957660459, ClinGen allele CA1139663306.